The following is an entry in ClinVar:

ClinVar aggregate classification (germline): Uncertain significance (1 of 4 stars; one submission).

Conditions:
Elliptocytosis 2 (EL2). Also called: ELLIPTOCYTOSIS, RHESUS-UNLINKED TYPE. Identifiers: Orphanet 288, MedGen C1851741, MONDO:0007533, OMIM 130600.

Allele frequency attached by ClinVar (database versions not stated): gnomAD 0.00001; TOPMed 0.00001 and 0.00002.
gnomAD v4.1: 6 of 1,613,678 alleles (0.00037%); highest among the groups gnomAD compares: Admixed American, 0.01%; no homozygotes.

Submission:

Baylor Genetics
Classification: Uncertain significance for Elliptocytosis 2. Last evaluated: 2019-04-11. Review status: criteria provided, single submitter. Criteria: ACMG Guidelines, 2015. Collection method: clinical testing. Allele origin: paternal. Affected: yes.
Comment: This variant was determined to be of uncertain significance according to ACMG Guidelines, 2015 [PMID:25741868].

NM_003126.4(SPTA1):c.3189-13A>G

Gene: SPTA1 (spectrin alpha, erythrocytic 1; minus strand). Cytogenetic location: 1q23.1.
Variant type: single nucleotide variant.
Coding change: c.3189-13A>G on transcript NM_003126.4 (MANE Select); 13 bases into the intron before coding-DNA position 3189, A replaced by G.
Molecular consequence: intron variant.
Genome position (GRCh38, 1-based): chr1:158,652,666, T>C on the plus strand (A>G on the coding strand, the complement: SPTA1 is on the minus strand). VCF-style: chr1-158652666-T-C. GRCh37 (hg19) VCF-style: chr1-158622456-T-C.
Identifiers: ClinVar variation 1030629 (VCV001030629.1), dbSNP rs776423390, ClinGen allele CA1183134.